The following is an entry in ClinVar:

NM_173648.4(CCDC141):c.1396del (p.Tyr466fs)

Gene: CCDC141 (coiled-coil domain containing 141; minus strand). Cytogenetic location: 2q31.2.
Variant type: Deletion.
Coding change: c.1396del on transcript NM_173648.4 (MANE Select); coding-DNA position 1396, one base deleted (T; older notation c.1396delT).
Protein change: p.Tyr466fs; shifts the reading frame from tyrosine 466.
Molecular consequence: frameshift variant.
Genome position (GRCh38, 1-based): chr2:178,888,538, A deleted on the plus strand (T on the coding strand, the reverse complement: CCDC141 is on the minus strand); the first of 2 consecutive A bases (chr2:178,888,538-178,888,539); deleting either gives the same sequence. VCF-style (leftmost placement, unchanged base first): chr2-178888537-TA-T. GRCh37 (hg19) VCF-style: chr2-179753264-TA-T.
Other names: c.1396del, p.Tyr466fs (NM_001316745.2); short protein forms Y466fs.
Identifiers: ClinVar variation 2726980 (VCV002726980.1), dbSNP rs1292868303, ClinGen allele CA538096062.

ClinVar aggregate classification (germline): Uncertain significance (1 of 4 stars; one submission).

Submission:

Labcorp Genetics (formerly Invitae), Labcorp
Classification: Uncertain significance. Last evaluated: 2023-10-04. Review status: criteria provided, single submitter. Criteria: Invitae Variant Classification Sherloc (09022015). Collection method: clinical testing. Allele origin: germline.
Comment: This sequence change creates a premature translational stop signal (p.Tyr466Thrfs*33) in the CCDC141 gene. It is expected to result in an absent or disrupted protein product. However, the current clinical and genetic evidence is not sufficient to establish whether loss-of-function variants in CCDC141 cause disease. This variant is present in population databases (no rsID available, gnomAD 0.1%), and has an allele count higher than expected for a pathogenic variant. This variant has not been reported in the literature in individuals affected with CCDC141-related conditions. In summary, the available evidence is currently insufficient to determine the role of this variant in disease. Therefore, it has been classified as a Variant of Uncertain Significance.